The following is an entry in ClinVar:

NC_012920.1(MT-ND6):m.14348T>C

Gene: MT-ND6 (mitochondrially encoded NADH dehydrogenase 6; minus strand).
Variant type: single nucleotide variant.
Genome position: chrM-14348-T-C.
Identifiers: ClinVar variation 693714 (VCV000693714.1), dbSNP rs1603224685, ClinGen allele CA414822061.

ClinVar aggregate classification (germline): Likely benign (1 of 4 stars; one submission).

Conditions:
Leigh syndrome (NULS). Also called: Leigh's necrotizing encephalopathy; Leigh's disease; Leigh's syndrome; LEIGH SYNDROME, NUCLEAR; Leigh Syndrome (mtDNA deletion); Leigh Disease. Identifiers: Orphanet 506, MedGen C2931891, MONDO:0009723, OMIM 256000.

Submission:

Wong Mito Lab, Molecular and Human Genetics, Baylor College of Medicine
Classification: Likely benign for Leigh syndrome. Last evaluated: 2019-10-17. Review status: criteria provided, single submitter. Criteria: Modified ACMG Guidelines (Unpublished). Collection method: clinical testing. Allele origin: germline.
Comment: The NC_012920.1:m.14348T>C (YP_003024037.1:p.Tyr109Cys) variant in MTND6 gene is interpretated to be a Likely Benign variant based on the modified ACMG guidelines (unpublished). This variant meets the following evidence codes: BS4, BP4, BP5